The following is an entry in ClinVar:

ClinVar aggregate classification (germline): Uncertain significance (1 of 4 stars; one submission).

Conditions:
Developmental and epileptic encephalopathy, 60. Also called: EPILEPTIC ENCEPHALOPATHY, EARLY INFANTILE, 60. Identifiers: MedGen C4693663, MONDO:0033369, OMIM 617929.

Allele frequency attached by ClinVar (database versions not stated): gnomAD exomes below 0.00001; ExAC 0.00001.
gnomAD v4.1: 3 of 1,609,018 alleles (0.00019%); highest among the groups gnomAD compares: Non-Finnish European, 0.00026%; no homozygotes.

Submission:

Laboratory of Inherited Metabolic Diseases, Research centre for medical genetics
Classification: Uncertain significance for Developmental and epileptic encephalopathy, 60. Last evaluated: 2020-02-14. Review status: criteria provided, single submitter. Criteria: ACMG Guidelines, 2015. Collection method: clinical testing. Allele origin: unknown. Inheritance: Autosomal recessive inheritance. Affected: yes.
Comment: found in compound heterozygous with c.628C>T (p.Gln210*)

NM_006586.5(CNPY3):c.362G>A (p.Arg121Gln)

Genes: CNPY3-GNMT (CNPY3-GNMT readthrough; plus strand), CNPY3 (canopy FGF signaling regulator 3; plus strand). Cytogenetic location: 6p21.1.
Variant type: single nucleotide variant.
Coding change: c.362G>A on transcript NM_006586.5 (MANE Select); coding-DNA position 362, G replaced by A.
Protein change: p.Arg121Gln; replaces arginine 121 with glutamine.
Molecular consequence: missense variant. On other transcripts: 3 prime UTR variant (1), non-coding transcript variant (7), intron variant (3).
Genome position (GRCh38, 1-based): chr6:42,935,660, G>A. VCF-style: chr6-42935660-G-A. GRCh37 (hg19) VCF-style: chr6-42903398-G-A.
Other names: c.461G>A, p.Arg154Gln (NM_001318842.1); c.95G>A, p.Arg32Gln (NM_001318845.1); c.*73G>A (NM_001318847.2); c.362G>A, p.Arg121Gln (NM_001318848.2); c.8+5939G>A (NM_001318856.2); c.151+5939G>A (NM_001318857.2, NM_001318858.2); short protein forms R154Q, R121Q, R32Q.
Identifiers: ClinVar variation 870183 (VCV000870183.1), dbSNP rs761023974, ClinGen allele CA3810442.
Genomic context (GRCh38, chr6:42,935,660, plus strand): 5'-AGACCATTTGCAAGAGGCTCCTGGATTATAGCCTGCACAAGGAGAGGACCGGCAGCAATC[G>A]ATTTGCCAAGGTTGGATTCGGGATTGTCCTTCATCCGCTCTGGGGTCAGGCCTGCATGTA-3'
Protein context (NP_006577.2, residues 111-131): SLHKERTGSN[Arg121Gln]FAKGMSETFE